The following is an entry in ClinVar:

ClinVar aggregate classification (germline): Likely benign (1 of 4 stars; one submission).

gnomAD v4.1: 6 of 1,597,930 alleles (0.00038%); highest among the groups gnomAD compares: Non-Finnish European, 0.00051%; no homozygotes.

Submission:

GeneDx
Classification: Likely benign. Last evaluated: 2016-03-29. Review status: criteria provided, single submitter. Criteria: GeneDx Variant Classification (06012015). Collection method: clinical testing. Allele origin: germline. Affected: yes.
Comment: This variant is considered likely benign or benign based on one or more of the following criteria: it is a conservative change, it occurs at a poorly conserved position in the protein, it is predicted to be benign by multiple in silico algorithms, and/or has population frequency not consistent with disease.

NM_000744.7(CHRNA4):c.1564C>T (p.Pro522Ser)

Gene: CHRNA4 (cholinergic receptor nicotinic alpha 4 subunit; minus strand). Cytogenetic location: 20q13.33.
Variant type: single nucleotide variant.
Coding change: c.1564C>T on transcript NM_000744.7 (MANE Select); coding-DNA position 1564, C replaced by T.
Protein change: p.Pro522Ser; replaces proline 522 with serine.
Molecular consequence: missense variant. On other transcripts: non-coding transcript variant (1).
Genome position (GRCh38, 1-based): chr20:63,349,847, G>A on the plus strand (C>T on the coding strand, the complement: CHRNA4 is on the minus strand). VCF-style: chr20-63349847-G-A. GRCh37 (hg19) VCF-style: chr20-61981199-G-A.
Other names: c.1036C>T, p.Pro346Ser (NM_001256573.2); short protein forms P522S, P346S.
Identifiers: ClinVar variation 384429 (VCV000384429.1), dbSNP rs1057521949, ClinGen allele CA16608009.